The following is an entry in ClinVar:

NM_001710.6(CFB):c.641C>G (p.Thr214Arg)

Gene: CFB (complement factor B; plus strand). Cytogenetic location: 6p21.33.
Variant type: single nucleotide variant.
Coding change: c.641C>G on transcript NM_001710.6 (MANE Select); coding-DNA position 641, C replaced by G.
Protein change: p.Thr214Arg; replaces threonine 214 with arginine.
Molecular consequence: missense variant.
Genome position (GRCh38, 1-based): chr6:31,947,504, C>G. VCF-style: chr6-31947504-C-G. GRCh37 (hg19) VCF-style: chr6-31915281-C-G.
Other names: short protein forms T214R.
Identifiers: ClinVar variation 2883600 (VCV002883600.3), dbSNP rs761471751, ClinGen allele CA3728092.
Genomic context (GRCh38, chr6:31,947,504, plus strand): 5'-GGCTTACCCTGCGTGGCTCCCAGCGGCGAACGTGTCAGGAAGGTGGCTCTTGGAGCGGGA[C>G]GGAGCCTTCCTGCCAAGGTGACCTTTGACCTGTACCCCCAGGTCAGATCCTGGTCTTCCA-3'
Protein context (NP_001701.2, residues 204-224): TCQEGGSWSG[Thr214Arg]EPSCQDSFMY

ClinVar aggregate classification (germline): Uncertain significance (1 of 4 stars; one submission).

Submission:

Labcorp Genetics (formerly Invitae), Labcorp
Classification: Uncertain significance. Last evaluated: 2023-03-14. Review status: criteria provided, single submitter. Criteria: Invitae Variant Classification Sherloc (09022015). Collection method: clinical testing. Allele origin: germline.
Comment: This sequence change replaces threonine, which is neutral and polar, with arginine, which is basic and polar, at codon 214 of the CFB protein (p.Thr214Arg). In summary, the available evidence is currently insufficient to determine the role of this variant in disease. Therefore, it has been classified as a Variant of Uncertain Significance. Advanced modeling of protein sequence and biophysical properties (such as structural, functional, and spatial information, amino acid conservation, physicochemical variation, residue mobility, and thermodynamic stability) performed at Invitae indicates that this missense variant is not expected to disrupt CFB protein function. This variant has not been reported in the literature in individuals affected with CFB-related conditions. This variant is present in population databases (rs761471751, gnomAD 0.03%).